The following is an entry in ClinVar:

NM_001347.4(DGKQ):c.719G>A (p.Arg240His)

Gene: DGKQ (diacylglycerol kinase theta; minus strand). Cytogenetic location: 4p16.3.
Variant type: single nucleotide variant.
Coding change: c.719G>A on transcript NM_001347.4 (MANE Select); coding-DNA position 719, G replaced by A.
Protein change: p.Arg240His; replaces arginine 240 with histidine.
Molecular consequence: missense variant.
Genome position (GRCh38, 1-based): chr4:967,972, C>T on the plus strand (G>A on the coding strand, the complement: DGKQ is on the minus strand). VCF-style: chr4-967972-C-T. GRCh37 (hg19) VCF-style: chr4-961760-C-T.
Other names: short protein forms R240H.
Identifiers: ClinVar variation 3044052 (VCV003044052.2), dbSNP rs113007498, ClinGen allele CA2800835.

ClinVar aggregate classification (germline): Likely benign (0 of 4 stars; one submission).

Conditions:
DGKQ-related disorder. Also called: DGKQ-related condition.

Allele frequency attached by ClinVar (database versions not stated): 1000 Genomes Project 0.00040; 1000 Genomes Project 30x 0.00047; gnomAD 0.00136; TOPMed 0.00146; gnomAD exomes 0.00232; ExAC 0.00507.
gnomAD v4.1: 3,277 of 1,481,402 alleles (0.22%); highest among the groups gnomAD compares: Middle Eastern, 0.53%; 4 homozygotes.

Submission:

PreventionGenetics, part of Exact Sciences
Classification: Likely benign for DGKQ-related condition. Last evaluated: 2022-02-01. Review status: no assertion criteria provided. Collection method: clinical testing. Allele origin: germline.
Comment: This variant is classified as likely benign based on ACMG/AMP sequence variant interpretation guidelines (Richards et al. 2015 PMID: 25741868, with internal and published modifications).